The following is an entry in ClinVar:

ClinVar aggregate classification (germline): Uncertain significance (1 of 4 stars; one submission).

Conditions:
Norman-Roberts syndrome (LIS2). Also called: Lissencephaly 2 (Norman-Roberts type). Identifiers: Orphanet 89844, MedGen C0796089, MONDO:0009760, OMIM 257320.
Familial temporal lobe epilepsy 7. Identifiers: Orphanet 101046, MedGen C4225327, MONDO:0014639, OMIM 616436.

Allele frequency attached by ClinVar (database versions not stated): TOPMed below 0.00001.

Submission:

Labcorp Genetics (formerly Invitae), Labcorp
Classification: Uncertain significance for Epilepsy, familial temporal lobe, 7; Norman-Roberts syndrome. Last evaluated: 2019-10-08. Review status: criteria provided, single submitter. Criteria: Invitae Variant Classification Sherloc (09022015). Collection method: clinical testing. Allele origin: germline.
Comment: This sequence change replaces tryptophan with glycine at codon 1200 of the RELN protein (p.Trp1200Gly). The tryptophan residue is highly conserved and there is a large physicochemical difference between tryptophan and glycine. This variant is not present in population databases (ExAC no frequency). This variant has not been reported in the literature in individuals with RELN-related conditions. Algorithms developed to predict the effect of missense changes on protein structure and function are either unavailable or do not agree on the potential impact of this missense change (SIFT: "Deleterious"; PolyPhen-2: "Probably Damaging"; Align-GVGD: "Class C0"). In summary, the available evidence is currently insufficient to determine the role of this variant in disease. Therefore, it has been classified as a Variant of Uncertain Significance.

NM_005045.4(RELN):c.3598T>G (p.Trp1200Gly)

Gene: RELN (reelin; minus strand). Cytogenetic location: 7q22.1.
Variant type: single nucleotide variant.
Coding change: c.3598T>G on transcript NM_005045.4 (MANE Select); coding-DNA position 3598, T replaced by G.
Protein change: p.Trp1200Gly; replaces tryptophan 1200 with glycine.
Molecular consequence: missense variant.
Genome position (GRCh38, 1-based): chr7:103,594,434, A>C on the plus strand (T>G on the coding strand, the complement: RELN is on the minus strand). VCF-style: chr7-103594434-A-C. GRCh37 (hg19) VCF-style: chr7-103234881-A-C.
Other names: c.3598T>G, p.Trp1200Gly (NM_173054.3); short protein forms W1200G.
Identifiers: ClinVar variation 939877 (VCV000939877.1), dbSNP rs1831491786, ClinGen allele CA368758888.